The following is an entry in ClinVar:

NM_000030.3(AGXT):c.584T>G (p.Met195Arg)

Gene: AGXT (alanine--glyoxylate aminotransferase; plus strand). Cytogenetic location: 2q37.3.
Variant type: single nucleotide variant.
Coding change: c.584T>G on transcript NM_000030.3 (MANE Select); coding-DNA position 584, T replaced by G.
Protein change: p.Met195Arg; replaces methionine 195 with arginine.
Molecular consequence: missense variant.
Genome position (GRCh38, 1-based): chr2:240,873,038, T>G. VCF-style: chr2-240873038-T-G. GRCh37 (hg19) VCF-style: chr2-241812455-T-G.
Other names: short protein forms M195R.
Identifiers: ClinVar variation 204113 (VCV000204113.53), dbSNP rs180177244, ClinGen allele CA275712.
Genomic context (GRCh38, chr2:240,873,038, plus strand): 5'-GGTACAAGTGCCTGCTCCTGGTGGATTCGGTGGCATCCCTGGGCGGGACCCCCCTTTACA[T>G]GGACCGGCAAGGTAAGGGTGGGCTCTGAGAGCCCTACCCAGCCCAAGCAGCCTTGGGGCT-3'
Protein context (NP_000021.1, residues 185-205): VASLGGTPLY[Met195Arg]DRQGIDILYS

ClinVar aggregate classification (germline): Pathogenic/Likely pathogenic. Review status: criteria provided, multiple submitters, no conflicts (2 of 4 stars). 8 submissions from 8 submitters: Pathogenic (6); Likely pathogenic (1). 1 of the submissions does not count toward it. Last evaluated 2025-09-21.

Conditions:
Primary hyperoxaluria, type I (HP1). Also called: GLYCOLIC ACIDURIA; HEPATIC AGT DEFICIENCY; OXALOSIS I; Primary hyperoxaluria type 1. Identifiers: Orphanet 416, Orphanet 93598, MedGen C0268164, MONDO:0009823, OMIM 259900. Disease mechanism: loss of function.

Submissions (8):

Natera, Inc.
Classification: Pathogenic for Primary hyperoxaluria type I. Last evaluated: 2025-09-21. Review status: criteria provided, single submitter. Criteria: Natera Variant Classification Schema (03/2026). Collection method: clinical testing. Allele origin: germline.
Comment: The c.584T>G variant in AGXT is a missense variant predicted to cause substitution of methionine to arginine at amino acid 195. This variant is rare in the general population with a frequency below the threshold expected for the associated phenotype(s). This variant has been observed in one or more individuals affected with the associated recessive disease, as either homozygous or compound heterozygous with a second variant (PMID: 34082749, 31078535). Given the available evidence, this variant is classified as Pathogenic.

Genomic Medicine Center of Excellence, King Faisal Specialist Hospital and Research Centre
Classification: Pathogenic for Primary hyperoxaluria, type I. Last evaluated: 2025-09-10. Review status: criteria provided, single submitter. Criteria: ACMG Guidelines, 2015. Collection method: clinical testing. Allele origin: germline.

First Genomix Gene Laboratory, Genetic Diagnostics Department
Classification: Pathogenic for Primary hyperoxaluria, type I. Last evaluated: 2025-07-18. Review status: criteria provided, single submitter. Criteria: ACMG Guidelines, 2015. Collection method: clinical testing. Allele origin: germline. Inheritance: Autosomal recessive inheritance. Affected: no. Observed: 1 variant allele.

Labcorp Genetics (formerly Invitae), Labcorp
Classification: Pathogenic. Last evaluated: 2024-01-09. Review status: criteria provided, single submitter. Criteria: Invitae Variant Classification Sherloc (09022015). Collection method: clinical testing. Allele origin: germline.
Comment: This sequence change replaces methionine, which is neutral and non-polar, with arginine, which is basic and polar, at codon 195 of the AGXT protein (p.Met195Arg). This variant is not present in population databases (gnomAD no frequency). This missense change has been observed in individual(s) with primary hyperoxaluria, type 1 (PMID: 15961946, 24988064; Invitae). ClinVar contains an entry for this variant (Variation ID: 204113). Advanced modeling of protein sequence and biophysical properties (such as structural, functional, and spatial information, amino acid conservation, physicochemical variation, residue mobility, and thermodynamic stability) performed at Invitae indicates that this missense variant is expected to disrupt AGXT protein function with a positive predictive value of 80%. Experimental studies have shown that this missense change affects AGXT function (PMID: 24718375). For these reasons, this variant has been classified as Pathogenic.

Revvity Omics, Revvity
Classification: Likely pathogenic for Primary hyperoxaluria, type I. Last evaluated: 2022-08-05. Review status: criteria provided, single submitter. Criteria: ACMG Guidelines, 2015. Collection method: clinical testing. Allele origin: germline.

Fulgent Genetics
Classification: Pathogenic for Primary hyperoxaluria, type I. Last evaluated: 2022-03-15. Review status: criteria provided, single submitter. Criteria: ACMG Guidelines, 2015. Collection method: clinical testing. Allele origin: unknown.

CeGaT Center for Human Genetics Tuebingen
Classification: Pathogenic. Last evaluated: 2018-11-01. Review status: criteria provided, single submitter. Criteria: CeGaT Center For Human Genetics Tuebingen Variant Classification Criteria Version 2. Collection method: clinical testing. Allele origin: germline. Affected: yes. Observed: 1 variant allele.

Clinical Biochemistry Laboratory, Health Services Laboratory
Classification: Pathogenic for Primary hyperoxaluria, type I. Last evaluated: 2014-11-27. Review status: no assertion criteria provided. Collection method: in vitro. Allele origin: germline. Affected: yes. Not counted in ClinVar's aggregate classification.

Literature cited by the submitters: PubMed 34082749 (cited by Natera, Inc.); PubMed 31078535 (cited by Natera, Inc.); PubMed 15961946 (cited by Labcorp Genetics (formerly Invitae), Labcorp and Clinical Biochemistry Laboratory, Health Services Laboratory); PubMed 24988064 (cited by Labcorp Genetics (formerly Invitae), Labcorp); PubMed 24718375 (cited by Labcorp Genetics (formerly Invitae), Labcorp and Clinical Biochemistry Laboratory, Health Services Laboratory).